The following is an entry in ClinVar:

ClinVar aggregate classification (germline): Conflicting classifications of pathogenicity. Review status: criteria provided, conflicting classifications (1 of 4 stars). 8 submissions from 8 submitters: Uncertain significance (7); Likely benign (1). Last evaluated 2025-12-02.

Conditions:
Norman-Roberts syndrome (LIS2). Also called: Lissencephaly 2 (Norman-Roberts type). Identifiers: Orphanet 89844, MedGen C0796089, MONDO:0009760, OMIM 257320.
Familial temporal lobe epilepsy 7. Identifiers: Orphanet 101046, MedGen C4225327, MONDO:0014639, OMIM 616436.
Epilepsy, familial temporal lobe, 1. Identifiers: Orphanet 101046, MedGen CN030884, MONDO:0700090, OMIM 600512.

Allele frequency attached by ClinVar (database versions not stated): TOPMed 0.00006; gnomAD 0.00009; gnomAD exomes 0.00013; ExAC 0.00015; 1000 Genomes Project 30x 0.00016; 1000 Genomes Project 0.00020; ESP Exome Variant Server 0.00023.
gnomAD v4.1: 191 of 1,613,858 alleles (0.012%); highest among the groups gnomAD compares: Non-Finnish European, 0.014%; no homozygotes.

Submissions (8):

Labcorp Genetics (formerly Invitae), Labcorp
Classification: Likely benign for Familial temporal lobe epilepsy 7; Norman-Roberts syndrome. Last evaluated: 2025-12-02. Review status: criteria provided, single submitter. Criteria: Invitae Variant Classification Sherloc (09022015). Collection method: clinical testing. Allele origin: germline.

Blueprint Genetics
Classification: Uncertain significance. Last evaluated: 2024-11-22. Review status: criteria provided, single submitter. Criteria: ACMG Guidelines, 2015. Collection method: clinical testing. Allele origin: germline.

CeGaT Center for Human Genetics Tuebingen
Classification: Uncertain significance. Last evaluated: 2022-08-01. Review status: criteria provided, single submitter. Criteria: CeGaT Center For Human Genetics Tuebingen Variant Classification Criteria Version 2. Collection method: clinical testing. Allele origin: germline. Affected: yes. Observed: 1 variant allele.

New York Genome Center
Classification: Uncertain significance. Last evaluated: 2021-11-23. Review status: criteria provided, single submitter. Criteria: NYGC Assertion Criteria 2020. Collection method: clinical testing. Allele origin: germline. Observed: 1 heterozygote. Study: CSER-NYCKidSeq.

Fulgent Genetics
Classification: Uncertain significance for Norman-Roberts syndrome; Epilepsy, familial temporal lobe, 1; Familial temporal lobe epilepsy 7. Last evaluated: 2018-10-31. Review status: criteria provided, single submitter. Criteria: ACMG Guidelines, 2015. Collection method: clinical testing. Allele origin: unknown.

Eurofins Ntd Llc (ga)
Classification: Uncertain significance. Last evaluated: 2018-02-14. Review status: criteria provided, single submitter. Criteria: EGL ClinVar v180209 classification definitions. Collection method: clinical testing. Allele origin: germline. Observed: 2 variant alleles, 2 heterozygotes.

GeneDx
Classification: Uncertain significance. Last evaluated: 2017-07-11. Review status: criteria provided, single submitter. Criteria: GeneDx Variant Classification (06012015). Collection method: clinical testing. Allele origin: germline. Affected: yes.
Comment: A variant of uncertain significance has been identified in the RELN gene. The D1499H variant has been reported previously in an individual with autism spectrum disorder; however, no further information was provided (Matsunami et al., 2014). The D1499H variant is observed in 17/66738 (0.03%) alleles from individuals of European background (Lek et al., 2016; 1000 Genomes Consortium et al., 2015; Exome Variant Server). The D1499H variant is a non-conservative amino acid substitution, which is likely to impact secondary protein structure as these residues differ in polarity, charge, size and/or other properties. This substitution occurs at a position that is conserved across species. However, in silico analysis is inconsistent in its predictions as to whether or not the variant is damaging to the protein structure/function. Therefore, based on the currently available information, it is unclear whether this variant is a pathogenic variant or a rare benign variant.

Illumina Laboratory Services, Illumina
Classification: Uncertain significance for Norman-Roberts syndrome. Last evaluated: 2017-04-27. Review status: criteria provided, single submitter. Criteria: ICSL Variant Classification Criteria 13 December 2019. Collection method: clinical testing. Allele origin: germline.
Comment: This variant was observed as part of a predisposition screen in an ostensibly healthy population. A literature search was performed for the gene, cDNA change, and amino acid change (where applicable). Publications were found based on this search. However, the evidence from the literature, in combination with allele frequency data from public databases where available, was not sufficient to rule this variant in or out of causing disease. Therefore, this variant is classified as a variant of unknown significance.

Literature cited by the submitters: PubMed 24467814 (cited by Illumina Laboratory Services, Illumina).

NM_005045.4(RELN):c.4495G>C (p.Asp1499His)

Gene: RELN (reelin; minus strand). Cytogenetic location: 7q22.1.
Variant type: single nucleotide variant.
Coding change: c.4495G>C on transcript NM_005045.4 (MANE Select); coding-DNA position 4495, G replaced by C.
Protein change: p.Asp1499His; replaces aspartic acid 1499 with histidine.
Molecular consequence: missense variant.
Genome position (GRCh38, 1-based): chr7:103,574,108, C>G on the plus strand (G>C on the coding strand, the complement: RELN is on the minus strand). VCF-style: chr7-103574108-C-G. GRCh37 (hg19) VCF-style: chr7-103214555-C-G.
Other names: c.4495G>C, p.Asp1499His (NM_173054.3); short protein forms D1499H.
Identifiers: ClinVar variation 449361 (VCV000449361.46), dbSNP rs200428576, ClinGen allele CA4421507.
Genomic context (GRCh38, chr7:103,574,108, plus strand): 5'-AAATAATATGTTTGTGAAAAAGTATACCAGTTAATACTTGTTACCTGATATTCCTGGTGT[C>G]CAGAGGGACCGTCCGGGCTTCCCTTTTCCCAGGGCCATTGAAGTAGAGAGATTTGCCATC-3'
Protein context (NP_005036.2, residues 1489-1509): GKREARTVPL[Asp1499His]TRNIRLVQFY